The following is an entry in ClinVar:

NM_001371928.1(AHDC1):c.263C>A (p.Ala88Glu)

Gene: AHDC1 (AT-hook DNA binding motif containing 1; minus strand). Cytogenetic location: 1p36.11.
Variant type: single nucleotide variant.
Coding change: c.263C>A on transcript NM_001371928.1 (MANE Select); coding-DNA position 263, C replaced by A.
Protein change: p.Ala88Glu; replaces alanine 88 with glutamic acid.
Molecular consequence: missense variant.
Genome position (GRCh38, 1-based): chr1:27,551,853, G>T on the plus strand (C>A on the coding strand, the complement: AHDC1 is on the minus strand). VCF-style: chr1-27551853-G-T. GRCh37 (hg19) VCF-style: chr1-27878364-G-T.
Other names: c.263C>A, p.Ala88Glu (NM_001029882.3); c.263C>A (NM_001029882.2); short protein forms A88E.
Identifiers: ClinVar variation 1434362 (VCV001434362.6), dbSNP rs2148296355, ClinGen allele CA339238148.
Genomic context (GRCh38, chr1:27,551,853, plus strand): 5'-CGGGAGCTGCTGCCGTCTCCGACCGGTGTGGGGCAGCGGGCCTGTGAGACAGGACGGGCT[G>T]CCCGTGGGGGCAGCGGGTCGTCCCCCTTGGCAAGGACTGGTGGGCGCCGGGTGCTGGGGT-3'
Protein context (NP_001358857.1, residues 78-98): AKGDDPLPPR[Ala88Glu]ARPVSQARCP

ClinVar aggregate classification (germline): Uncertain significance. Review status: criteria provided, multiple submitters, no conflicts (2 of 4 stars). 2 submissions from 2 submitters: Uncertain significance (2). Last evaluated 2022-08-17.

Submissions (2):

GeneDx
Classification: Uncertain significance. Last evaluated: 2022-08-17. Review status: criteria provided, single submitter. Criteria: GeneDx Variant Classification Process June 2021. Collection method: clinical testing. Allele origin: germline. Affected: yes.
Comment: Not observed at significant frequency in large population cohorts (gnomAD); In silico analysis supports that this missense variant does not alter protein structure/function; Has not been previously published as pathogenic or benign to our knowledge

Labcorp Genetics (formerly Invitae), Labcorp
Classification: Uncertain significance. Last evaluated: 2021-11-22. Review status: criteria provided, single submitter. Criteria: Invitae Variant Classification Sherloc (09022015). Collection method: clinical testing. Allele origin: germline.
Comment: In summary, the available evidence is currently insufficient to determine the role of this variant in disease. Therefore, it has been classified as a Variant of Uncertain Significance. Algorithms developed to predict the effect of missense changes on protein structure and function are either unavailable or do not agree on the potential impact of this missense change (SIFT: "Deleterious"; PolyPhen-2: "Possibly Damaging"; Align-GVGD: "Class C0"). This variant has not been reported in the literature in individuals affected with AHDC1-related conditions. This variant is not present in population databases (gnomAD no frequency). This sequence change replaces alanine, which is neutral and non-polar, with glutamic acid, which is acidic and polar, at codon 88 of the AHDC1 protein (p.Ala88Glu).